The following is an entry in ClinVar:

ClinVar aggregate classification (germline): Uncertain significance (1 of 4 stars; one submission).

gnomAD v4.1: 1 of 1,614,040 alleles (0.000062%); highest among the groups gnomAD compares: Non-Finnish European, 0.000085%; no homozygotes.

Submission:

Labcorp Genetics (formerly Invitae), Labcorp
Classification: Uncertain significance. Last evaluated: 2022-07-21. Review status: criteria provided, single submitter. Criteria: Invitae Variant Classification Sherloc (09022015). Collection method: clinical testing. Allele origin: germline.
Comment: In summary, the available evidence is currently insufficient to determine the role of this variant in disease. Therefore, it has been classified as a Variant of Uncertain Significance. Algorithms developed to predict the effect of missense changes on protein structure and function are either unavailable or do not agree on the potential impact of this missense change (SIFT: "Deleterious"; PolyPhen-2: "Probably Damaging"; Align-GVGD: "Class C0"). This variant has not been reported in the literature in individuals affected with CERKL-related conditions. This variant is present in population databases (no rsID available, gnomAD 0.0009%). This sequence change replaces tryptophan, which is neutral and slightly polar, with arginine, which is basic and polar, at codon 365 of the CERKL protein (p.Trp365Arg).

NM_201548.5(CERKL):c.1015T>C (p.Trp339Arg)

Gene: CERKL (CERK like autophagy regulator; minus strand). Cytogenetic location: 2q31.3.
Variant type: single nucleotide variant.
Coding change: c.1015T>C on transcript NM_201548.5 (MANE Select); coding-DNA position 1015, T replaced by C.
Protein change: p.Trp339Arg; replaces tryptophan 339 with arginine.
Molecular consequence: missense variant. On other transcripts: non-coding transcript variant (2).
Genome position (GRCh38, 1-based): chr2:181,548,738, A>G on the plus strand (T>C on the coding strand, the complement: CERKL is on the minus strand). VCF-style: chr2-181548738-A-G. GRCh37 (hg19) VCF-style: chr2-182413465-A-G.
Other names: c.1093T>C, p.Trp365Arg (NM_001030311.3); c.676T>C, p.Trp226Arg (NM_001030312.3); c.808T>C, p.Trp270Arg (NM_001030313.3); c.*297T>C (NM_001030314.1, NM_001030315.1); c.961T>C, p.Trp321Arg (NM_001160277.2); short protein forms W226R, W321R, W365R, W270R, W339R.
Identifiers: ClinVar variation 1965756 (VCV001965756.5), dbSNP rs755223434, ClinGen allele CA349737014.